The following is an entry in ClinVar:

NM_001308093.3(GATA4):c.1165G>A (p.Ala389Thr)

Gene: GATA4 (GATA binding protein 4). Cytogenetic location: 8p23.1.
Variant type: single nucleotide variant.
Coding change: c.1165G>A on transcript NM_001308093.3 (MANE Select); coding-DNA position 1165, G replaced by A.
Protein change: p.Ala389Thr; replaces alanine 389 with threonine.
Molecular consequence: missense variant.
Genome position (GRCh38, 1-based): chr8:11,758,308, G>A. VCF-style: chr8-11758308-G-A. GRCh37 (hg19) VCF-style: chr8-11615817-G-A.
Other names: c.544G>A, p.Ala182Thr (NM_001308094.2, NM_001374273.1); c.418G>A, p.Ala140Thr (NM_001374274.1); c.1162G>A, p.Ala388Thr (NM_002052.5); short protein forms A140T, A182T, A388T, A389T.
Identifiers: ClinVar variation 2581863 (VCV002581863.1), dbSNP rs990787136, ClinGen allele CA172121384.

ClinVar aggregate classification (germline): Uncertain significance (1 of 4 stars; one submission).

Allele frequency attached by ClinVar (database versions not stated): gnomAD exomes below 0.00001; gnomAD 0.00001.
gnomAD v4.1: 3 of 1,614,026 alleles (0.00019%); highest among the groups gnomAD compares: East Asian, 0.0067%; no homozygotes.

Submission:

GeneDx
Classification: Uncertain significance. Last evaluated: 2023-03-31. Review status: criteria provided, single submitter. Criteria: GeneDx Variant Classification Process June 2021. Collection method: clinical testing. Allele origin: germline. Affected: yes.
Comment: Has not been previously published as pathogenic or benign to our knowledge; Not observed at significant frequency in large population cohorts (gnomAD); In silico analysis supports that this missense variant does not alter protein structure/function